The following is an entry in ClinVar:

ClinVar aggregate classification (germline): Uncertain significance (1 of 4 stars; one submission).

Submission:

GeneDx
Classification: Uncertain significance. Last evaluated: 2023-12-12. Review status: criteria provided, single submitter. Criteria: GeneDx Variant Classification Process June 2021. Collection method: clinical testing. Allele origin: germline. Affected: yes.
Comment: Initiation codon variant in a gene for which loss of function is a known mechanism of disease; Not observed at significant frequency in large population cohorts (gnomAD); Has not been previously published as pathogenic or benign to our knowledge

NM_001792.5(CDH2):c.2T>C (p.Met1Thr)

Gene: CDH2 (cadherin 2; minus strand). Cytogenetic location: 18q12.1.
Variant type: single nucleotide variant.
Coding change: c.2T>C on transcript NM_001792.5 (MANE Select); coding-DNA position 2, T replaced by C.
Protein change: p.Met1Thr; changes the start codon (methionine 1).
Molecular consequence: missense variant, initiator codon variant.
Genome position (GRCh38, 1-based): chr18:28,177,021, A>G on the plus strand (T>C on the coding strand, the complement: CDH2 is on the minus strand). VCF-style: chr18-28177021-A-G. GRCh37 (hg19) VCF-style: chr18-25756985-A-G.
Other names: short protein forms M1T.
Identifiers: ClinVar variation 3365437 (VCV003365437.1).
Genomic context (GRCh38, chr18:28,177,021, plus strand): 5'-ACCTGAAGCAGGGCCGCCAGCAGCGGCAGCAGGGTCCGCAGCGCTCCCGCTATCCGGCAC[A>G]TGGAGGCGGAGAGGGGCCGAGCGAAGAGCCGGAGGAGGCGGCGGCGGCGGCGGCGGCGGC-3'
Protein context (NP_001783.2, residues 1-11): [Met1Thr]CRIAGALRTL